The following is an entry in ClinVar:

ClinVar aggregate classification (germline): Conflicting classifications of pathogenicity. Review status: criteria provided, conflicting classifications (1 of 4 stars). 3 submissions from 3 submitters: Uncertain significance (1); Likely benign (2). Last evaluated 2025-12-15.

Conditions:
Charcot-Marie-Tooth disease axonal type 2O. Also called: CHARCOT-MARIE-TOOTH NEUROPATHY, AXONAL, TYPE 2O; CHARCOT-MARIE-TOOTH DISEASE, AXONAL, AUTOSOMAL DOMINANT, TYPE 2O; Charcot-Marie-Tooth Neuropathy Type 2O; Charcot-Marie-Tooth disease, axonal, type 20. Identifiers: Orphanet 284232, MedGen C3280220, MONDO:0013644, OMIM 614228.

Allele frequency attached by ClinVar (database versions not stated): gnomAD exomes 0.00001 and 0.00004; TOPMed 0.00001; ExAC 0.00002; gnomAD 0.00002.
gnomAD v4.1: 20 of 1,614,068 alleles (0.0012%); highest among the groups gnomAD compares: Admixed American, 0.018%; no homozygotes.

Submissions (3):

Labcorp Genetics (formerly Invitae), Labcorp
Classification: Likely benign for Charcot-Marie-Tooth disease axonal type 2O. Last evaluated: 2025-12-15. Review status: criteria provided, single submitter. Criteria: Invitae Variant Classification Sherloc (09022015). Collection method: clinical testing. Allele origin: germline.

GeneDx
Classification: Likely benign. Last evaluated: 2017-03-09. Review status: criteria provided, single submitter. Criteria: GeneDx Variant Classification (06012015). Collection method: clinical testing. Allele origin: germline. Affected: yes.
Comment: This variant is considered likely benign or benign based on one or more of the following criteria: it is a conservative change, it occurs at a poorly conserved position in the protein, it is predicted to be benign by multiple in silico algorithms, and/or has population frequency not consistent with disease.

Eurofins Ntd Llc (ga)
Classification: Uncertain significance. Last evaluated: 2015-08-07. Review status: criteria provided, single submitter. Criteria: EGL Classification Definitions 2015. Collection method: clinical testing. Allele origin: germline. Observed: 1 variant allele, 1 heterozygote.

NM_001376.5(DYNC1H1):c.12450G>A (p.Pro4150=)

Gene: DYNC1H1 (dynein cytoplasmic 1 heavy chain 1; plus strand). Cytogenetic location: 14q32.31.
Variant type: single nucleotide variant.
Coding change: c.12450G>A on transcript NM_001376.5 (MANE Select); coding-DNA position 12450, G replaced by A.
Protein change: p.Pro4150=; no amino-acid change (proline 4150 retained).
Molecular consequence: synonymous variant.
Genome position (GRCh38, 1-based): chr14:102,042,685, G>A. VCF-style: chr14-102042685-G-A. GRCh37 (hg19) VCF-style: chr14-102509022-G-A.
Identifiers: ClinVar variation 282123 (VCV000282123.15), dbSNP rs749647281, ClinGen allele CA7353934.
Genomic context (GRCh38, chr14:102,042,685, plus strand): 5'-TCTCCCTTAGGTGCCTGTGAATCTGCTCCGTGCGGGCCGCATCTTTGTGTTCGAGCCACC[G>A]CCAGGGGTGAAGGCCAACATGCTGAGGACGTTCAGCAGCATTCCCGTCTCACGGATATGC-3'
Protein context (NP_001367.2, residues 4140-4160): RAGRIFVFEP[Pro4150=]PGVKANMLRT